The following is an entry in ClinVar:

NM_001048174.2(MUTYH):c.1434+2T>C

Gene: MUTYH (mutY DNA glycosylase; minus strand). Cytogenetic location: 1p34.1.
Variant type: single nucleotide variant.
Coding change: c.1434+2T>C on transcript NM_001048174.2 (MANE Select); the canonical splice donor site of the intron after coding-DNA position 1434, T replaced by C.
Molecular consequence: splice donor variant.
Genome position (GRCh38, 1-based): chr1:45,330,514, A>G on the plus strand (T>C on the coding strand, the complement: MUTYH is on the minus strand). VCF-style: chr1-45330514-A-G. GRCh37 (hg19) VCF-style: chr1-45796186-A-G.
Other names: c.1434+2T>C (NM_001407072.1, NM_001407073.1, NM_001048171.2 and 6 more transcripts); c.1089+2T>C (NM_001350651.2, NM_001350650.2, NM_001407082.1); c.1158+2T>C (NM_001293192.2, NM_001293196.2, NM_001407091.1); c.1479+2T>C (NM_001293190.2); c.1467+2T>C (NM_001407069.1, NM_001407077.1, NM_001293191.2); c.1509+2T>C (NM_012222.3); c.1518+2T>C (NM_001128425.2); c.1437+2T>C (NM_001407071.1, NM_001048172.2, NM_001407078.1 and 1 more transcripts); and 5 more.
Identifiers: ClinVar variation 1499267 (VCV001499267.6), dbSNP rs2149102678, ClinGen allele CA340132285.
Genomic context (GRCh38, chr1:45,330,514, plus strand): 5'-GACTAAAAACCTATGGACTCAGGCCTGGGGAGACACGGTTGGGAGAGGCCTAGGAGACTT[A>G]CCATACAGGTCCCTGGCTGTTGGCCCTGATACACACGGAAAACCTAGACAAGAAGACAGG-3'

ClinVar aggregate classification (germline): Likely pathogenic (1 of 4 stars; one submission).

Conditions:
Familial adenomatous polyposis 2. Also called: MYH-associated polyposis; Adenomas, multiple colorectal; COLORECTAL ADENOMATOUS POLYPOSIS, AUTOSOMAL RECESSIVE; ADENOMAS, MULTIPLE COLORECTAL, AUTOSOMAL RECESSIVE; FAP type 2; MUTYH Polyposis. Identifiers: Orphanet 220460, Orphanet 247798, MedGen C3272841, MONDO:0012041, OMIM 608456.

gnomAD v4.1: 1 of 1,609,286 alleles (0.000062%); highest among the groups gnomAD compares: Non-Finnish European, 0.000085%; no homozygotes.

Submission:

Labcorp Genetics (formerly Invitae), Labcorp
Classification: Likely pathogenic for Familial adenomatous polyposis 2. Last evaluated: 2021-06-30. Review status: criteria provided, single submitter. Criteria: Invitae Variant Classification Sherloc (09022015). Collection method: clinical testing. Allele origin: germline.
Comment: Nucleotide substitutions within the consensus splice site are a relatively common cause of aberrant splicing (PMID: 17576681, 9536098). Algorithms developed to predict the effect of sequence changes on RNA splicing suggest that this variant may disrupt the consensus splice site. This splice site change disrupts the conserved PCNA binding motif of MUTYH (Gln526-Phe533, also known as Gln512-Phe519 in the literature because of transcript nomenclature differences), which has been shown to be critical for MUTYH-PCNA binding (PMID: 11092888, 26377631). Experimental studies have shown that MUTYH and PCNA co-localize at sites of DNA replication, and that MUTYH-PCNA complexes posses adenine glycosylase activity (PMID: 11433026). In MUTYH-deficient murine cells, a mutated MUTYH protein in which the conserved PCNA binding motif was disrupted did not increase repair efficiency as compared to wild-type MUTYH (PMID: 11864576). In summary, the currently available evidence indicates that the variant is pathogenic, but additional data are needed to prove that conclusively. Therefore, this variant has been classified as Likely Pathogenic. This variant is also known as c.1476+2T>C and c.1509+2T>C. This sequence change affects a donor splice site in intron 15 of the MUTYH gene. While this variant is not anticipated to result in nonsense mediated decay, it likely alters RNA splicing and results in a disrupted protein product. This variant is not present in population databases (ExAC no frequency). Disruption of this splice site has been observed in individual(s) with MUTYH-associated polyposis who also carried second pathogenic variants in the MUTYH gene (PMID: 16557584, 18515411).

Literature cited by the submitters: PubMed 17576681; PubMed 9536098; PubMed 11092888; PubMed 26377631; PubMed 11433026; PubMed 11864576; PubMed 16557584; PubMed 18515411.